The following is an entry in ClinVar:

NM_014000.3(VCL):c.1679C>T (p.Ala560Val)

Gene: VCL (vinculin; plus strand). Cytogenetic location: 10q22.2.
Variant type: single nucleotide variant.
Coding change: c.1679C>T on transcript NM_014000.3 (MANE Select); coding-DNA position 1679, C replaced by T.
Protein change: p.Ala560Val; replaces alanine 560 with valine.
Molecular consequence: missense variant.
Genome position (GRCh38, 1-based): chr10:74,095,791, C>T. VCF-style: chr10-74095791-C-T. GRCh37 (hg19) VCF-style: chr10-75855549-C-T.
Other names: c.1679C>T, p.Ala560Val (NM_003373.4); short protein forms A560V.
Identifiers: ClinVar variation 1517597 (VCV001517597.6), dbSNP rs2131916413, ClinGen allele CA377275029.

ClinVar aggregate classification (germline): Uncertain significance (1 of 4 stars; one submission).

Conditions:
Dilated cardiomyopathy 1W (CMD1W). Identifiers: Orphanet 154, MedGen C1969639, MONDO:0012667, OMIM 611407.

Allele frequency attached by ClinVar (database versions not stated): gnomAD exomes below 0.00001.
gnomAD v4.1: 1 of 1,614,162 alleles (0.000062%); highest among the groups gnomAD compares: Non-Finnish European, 0.000085%; no homozygotes.

Submission:

Labcorp Genetics (formerly Invitae), Labcorp
Classification: Uncertain significance for Dilated cardiomyopathy 1W. Last evaluated: 2025-12-01. Review status: criteria provided, single submitter. Criteria: Invitae Variant Classification Sherloc (09022015). Collection method: clinical testing. Allele origin: germline.
Comment: This sequence change replaces alanine with valine at codon 560 of the VCL protein (p.Ala560Val). The alanine residue is moderately conserved and there is a small physicochemical difference between alanine and valine. This variant is not present in population databases (gnomAD no frequency). This variant has not been reported in the literature in individuals affected with VCL-related conditions. ClinVar contains an entry for this variant (Variation ID: 1517597). An algorithm developed to predict the effect of missense changes on protein structure and function (PolyPhen-2) suggests that this variant is likely to be tolerated. In summary, the available evidence is currently insufficient to determine the role of this variant in disease. Therefore, it has been classified as a Variant of Uncertain Significance.